The following is an entry in ClinVar:

NM_001122681.2(SH3BP2):c.230G>C (p.Gly77Ala)

Gene: SH3BP2 (SH3 domain binding protein 2; plus strand). Cytogenetic location: 4p16.3.
Variant type: single nucleotide variant.
Coding change: c.230G>C on transcript NM_001122681.2 (MANE Select); coding-DNA position 230, G replaced by C.
Protein change: p.Gly77Ala; replaces glycine 77 with alanine.
Molecular consequence: missense variant.
Genome position (GRCh38, 1-based): chr4:2,823,028, G>C. VCF-style: chr4-2823028-G-C. GRCh37 (hg19) VCF-style: chr4-2824755-G-C.
Other names: c.314G>C, p.Gly105Ala (NM_001145855.2); c.401G>C, p.Gly134Ala (NM_001145856.2); c.230G>C, p.Gly77Ala (NM_003023.4); short protein forms G134A, G77A, G105A.
Identifiers: ClinVar variation 2812100 (VCV002812100.3), dbSNP rs2108728465, ClinGen allele CA356053636.

ClinVar aggregate classification (germline): Uncertain significance (1 of 4 stars; one submission).

Conditions:
Fibrous dysplasia of jaw (CRBM). Also called: Cherubism. Identifiers: Orphanet 184, MedGen C0008029, MONDO:0007315, OMIM 118400.

gnomAD v4.1: 1 of 1,612,952 alleles (0.000062%); highest among the groups gnomAD compares: Non-Finnish European, 0.000085%; no homozygotes.

Submission:

Labcorp Genetics (formerly Invitae), Labcorp
Classification: Uncertain significance for Fibrous dysplasia of jaw. Last evaluated: 2023-06-30. Review status: criteria provided, single submitter. Criteria: Invitae Variant Classification Sherloc (09022015). Collection method: clinical testing. Allele origin: germline.
Comment: In summary, the available evidence is currently insufficient to determine the role of this variant in disease. Therefore, it has been classified as a Variant of Uncertain Significance. This variant has not been reported in the literature in individuals affected with SH3BP2-related conditions. Advanced modeling of protein sequence and biophysical properties (such as structural, functional, and spatial information, amino acid conservation, physicochemical variation, residue mobility, and thermodynamic stability) performed at Invitae indicates that this missense variant is not expected to disrupt SH3BP2 protein function. This variant is not present in population databases (gnomAD no frequency). This sequence change replaces glycine, which is neutral and non-polar, with alanine, which is neutral and non-polar, at codon 77 of the SH3BP2 protein (p.Gly77Ala).